The following is an entry in ClinVar:

NM_014043.4(CHMP2B):c.36T>G (p.Asp12Glu)

Gene: CHMP2B (charged multivesicular body protein 2B; plus strand). Cytogenetic location: 3p11.2.
Variant type: single nucleotide variant.
Coding change: c.36T>G on transcript NM_014043.4 (MANE Select); coding-DNA position 36, T replaced by G.
Protein change: p.Asp12Glu; replaces aspartic acid 12 with glutamic acid.
Molecular consequence: missense variant. On other transcripts: intron variant (1).
Genome position (GRCh38, 1-based): chr3:87,240,700, T>G. VCF-style: chr3-87240700-T-G. GRCh37 (hg19) VCF-style: chr3-87289850-T-G.
Other names: c.132T>G, p.Asp44Glu (NM_001410777.1); c.4-5014T>G (NM_001244644.2); short protein forms D12E, D44E.
Identifiers: ClinVar variation 3749763 (VCV003749763.2).

ClinVar aggregate classification (germline): Uncertain significance (1 of 4 stars; one submission).

Conditions:
Frontotemporal dementia and/or amyotrophic lateral sclerosis 7 (FTDALS7). Also called: CHMP2B-related frontotemporal dementia; Amyotrophic lateral sclerosis 17; AMYOTROPHIC LATERAL SCLEROSIS, CHMP2B-RELATED; CHMP2B-Related Frontotemporal Dementia-Amyotrophic Lateral Sclerosis. Identifiers: Orphanet 275864, Orphanet 282, Orphanet 803, MedGen C1833296, MONDO:0010936, OMIM 600795.

gnomAD v4.1: 2 of 1,604,048 alleles (0.00012%); highest among the groups gnomAD compares: Non-Finnish European, 0.00017%; no homozygotes.

Submission:

Labcorp Genetics (formerly Invitae), Labcorp
Classification: Uncertain significance for Frontotemporal dementia and/or amyotrophic lateral sclerosis 7. Last evaluated: 2024-09-26. Review status: criteria provided, single submitter. Criteria: Invitae Variant Classification Sherloc (09022015). Collection method: clinical testing. Allele origin: germline.
Comment: This sequence change replaces aspartic acid, which is acidic and polar, with glutamic acid, which is acidic and polar, at codon 12 of the CHMP2B protein (p.Asp12Glu). This variant is present in population databases (no rsID available, gnomAD 0.003%). This variant has not been reported in the literature in individuals affected with CHMP2B-related conditions. An algorithm developed to predict the effect of missense changes on protein structure and function (PolyPhen-2) suggests that this variant is likely to be tolerated. In summary, the available evidence is currently insufficient to determine the role of this variant in disease. Therefore, it has been classified as a Variant of Uncertain Significance.